The following is an entry in ClinVar:

NM_001190274.2(FBXO11):c.1474G>T (p.Val492Leu)

Gene: FBXO11 (F-box protein 11; minus strand). Cytogenetic location: 2p16.3.
Variant type: single nucleotide variant.
Coding change: c.1474G>T on transcript NM_001190274.2 (MANE Select); coding-DNA position 1474, G replaced by T.
Protein change: p.Val492Leu; replaces valine 492 with leucine.
Molecular consequence: missense variant.
Genome position (GRCh38, 1-based): chr2:47,823,285, C>A on the plus strand (G>T on the coding strand, the complement: FBXO11 is on the minus strand). VCF-style: chr2-47823285-C-A. GRCh37 (hg19) VCF-style: chr2-48050424-C-A.
Other names: c.1222G>T, p.Val408Leu (NM_001374325.1, NM_025133.4); short protein forms V408L, V492L.
Identifiers: ClinVar variation 2974575 (VCV002974575.3), dbSNP rs2531101279, ClinGen allele CA346764967.

ClinVar aggregate classification (germline): Uncertain significance (1 of 4 stars; one submission).

Allele frequency attached by ClinVar (database versions not stated): gnomAD exomes 0.00003.
gnomAD v4.1: 22 of 1,614,070 alleles (0.0014%); highest among the groups gnomAD compares: Non-Finnish European, 0.0018%; no homozygotes.

Submission:

Labcorp Genetics (formerly Invitae), Labcorp
Classification: Uncertain significance. Last evaluated: 2023-12-25. Review status: criteria provided, single submitter. Criteria: Invitae Variant Classification Sherloc (09022015). Collection method: clinical testing. Allele origin: germline.
Comment: This sequence change replaces valine, which is neutral and non-polar, with leucine, which is neutral and non-polar, at codon 492 of the FBXO11 protein (p.Val492Leu). This variant is not present in population databases (gnomAD no frequency). This variant has not been reported in the literature in individuals affected with FBXO11-related conditions. An algorithm developed to predict the effect of missense changes on protein structure and function (PolyPhen-2) suggests that this variant is likely to be disruptive. In summary, the available evidence is currently insufficient to determine the role of this variant in disease. Therefore, it has been classified as a Variant of Uncertain Significance.